The following is an entry in ClinVar:

NM_013254.4(TBK1):c.1057A>G (p.Ile353Val)

Gene: TBK1 (TANK binding kinase 1; plus strand). Cytogenetic location: 12q14.2.
Variant type: single nucleotide variant.
Coding change: c.1057A>G on transcript NM_013254.4 (MANE Select); coding-DNA position 1057, A replaced by G.
Protein change: p.Ile353Val; replaces isoleucine 353 with valine.
Molecular consequence: missense variant.
Genome position (GRCh38, 1-based): chr12:64,484,367, A>G. VCF-style: chr12-64484367-A-G. GRCh37 (hg19) VCF-style: chr12-64878147-A-G.
Other names: c.1057A>G (NM_013254.3); short protein forms I353V.
Identifiers: ClinVar variation 1383785 (VCV001383785.6), dbSNP rs755655622, ClinGen allele CA238266741.

ClinVar aggregate classification (germline): Uncertain significance. Review status: criteria provided, multiple submitters, no conflicts (2 of 4 stars). 2 submissions from 2 submitters: Uncertain significance (2). Last evaluated 2026-01-21.

Conditions:
TBK1-related disorder. Also called: TBK1-related condition.
Frontotemporal dementia and/or amyotrophic lateral sclerosis 4. Also called: FTDALS4. Identifiers: Orphanet 275872, MedGen C4225325, MONDO:0014641, OMIM 616439.

Allele frequency attached by ClinVar (database versions not stated): gnomAD exomes below 0.00001 and 0.00004; gnomAD 0.00003 and 0.00004; TOPMed 0.00003.
gnomAD v4.1: 64 of 1,613,916 alleles (0.004%); highest among the groups gnomAD compares: Non-Finnish European, 0.0052%; no homozygotes.

Submissions (2):

Labcorp Genetics (formerly Invitae), Labcorp
Classification: Uncertain significance for Frontotemporal dementia and/or amyotrophic lateral sclerosis 4. Last evaluated: 2026-01-21. Review status: criteria provided, single submitter. Criteria: Invitae Variant Classification Sherloc (09022015). Collection method: clinical testing. Allele origin: germline.
Comment: This sequence change replaces isoleucine, which is neutral and non-polar, with valine, which is neutral and non-polar, at codon 353 of the TBK1 protein (p.Ile353Val). This variant is present in population databases (rs755655622, gnomAD 0.003%). This missense change has been observed in individual(s) with clinical features of amyotrophic lateral sclerosis (PMID: 28008748; internal data). ClinVar contains an entry for this variant (Variation ID: 1383785). Invitae Evidence Modeling of protein sequence and biophysical properties (such as structural, functional, and spatial information, amino acid conservation, physicochemical variation, residue mobility, and thermodynamic stability) indicates that this missense variant is not expected to disrupt TBK1 protein function with a negative predictive value of 95%. In summary, the available evidence is currently insufficient to determine the role of this variant in disease. Therefore, it has been classified as a Variant of Uncertain Significance.

PreventionGenetics, part of Exact Sciences
Classification: Uncertain significance for TBK1-related condition. Last evaluated: 2022-11-01. Review status: criteria provided, single submitter. Criteria: ACMG Guidelines, 2015. Collection method: clinical testing. Allele origin: germline.
Comment: The TBK1 c.1057A>G variant is predicted to result in the amino acid substitution p.Ile353Val. This variant has been reported in one individual with frontotemporal dementia, however in vitro functional studies showed no difference in activity compared to wildtype TBK1 (van der Zee J et al 2017. PubMed ID: 28008748). This variant is reported in 0.0028% of alleles in individuals of Latino descent in gnomAD. At this time, the clinical significance of this variant is uncertain due to the absence of conclusive functional and genetic evidence.

Literature cited by the submitters: PubMed 28008748 (cited by Labcorp Genetics (formerly Invitae), Labcorp).